The following is an entry in ClinVar:

NM_001079872.2(CUL4B):c.1038T>C (p.Asp346=)

Gene: CUL4B (cullin 4B; minus strand). Cytogenetic location: Xq24.
Variant type: single nucleotide variant.
Coding change: c.1038T>C on transcript NM_001079872.2 (MANE Select); coding-DNA position 1038, T replaced by C.
Protein change: p.Asp346=; no amino-acid change (aspartic acid 346 retained).
Molecular consequence: synonymous variant.
Genome position (GRCh38, 1-based): chrX:120,544,526, A>G on the plus strand (T>C on the coding strand, the complement: CUL4B is on the minus strand). VCF-style: chrX-120544526-A-G. GRCh37 (hg19) VCF-style: chrX-119678381-A-G.
Other names: c.1053T>C, p.Asp351= (NM_001330624.2); c.504T>C, p.Asp168= (NM_001369145.1); c.1092T>C, p.Asp364= (NM_003588.4).
Identifiers: ClinVar variation 1789764 (VCV001789764.4), dbSNP rs759619904, ClinGen allele CA10505599.

ClinVar aggregate classification (germline): Likely benign. Review status: criteria provided, single submitter (1 of 4 stars). 2 submissions from 2 submitters: Likely benign (1). 1 of the submissions does not count toward it. Last evaluated 2020-06-01.

Conditions:
Inborn genetic diseases. Identifiers: MedGen C0950123, MeSH D030342.
CUL4B-related disorder. Also called: CUL4B-related condition.

Allele frequency attached by ClinVar (database versions not stated): ExAC 0.00001; gnomAD 0.00001; gnomAD exomes 0.00002; TOPMed 0.00003.
gnomAD v4.1: 23 of 1,209,696 alleles (0.0019%); highest among the groups gnomAD compares: Non-Finnish European, 0.0026%; no homozygotes.

Submissions (2):

Ambry Genetics
Classification: Likely benign for Inborn genetic diseases. Last evaluated: 2020-06-01. Review status: criteria provided, single submitter. Criteria: Ambry Variant Classification Scheme 2023. Collection method: clinical testing. Allele origin: germline.

PreventionGenetics, part of Exact Sciences
Classification: Likely benign for CUL4B-related condition. Last evaluated: 2023-03-21. Review status: no assertion criteria provided. Collection method: clinical testing. Allele origin: germline. Not counted in ClinVar's aggregate classification.
Comment: This variant is classified as likely benign based on ACMG/AMP sequence variant interpretation guidelines (Richards et al. 2015 PMID: 25741868, with internal and published modifications).